The following is an entry in ClinVar:

NM_014384.3(ACAD8):c.849C>G (p.Cys283Trp)

Gene: ACAD8 (acyl-CoA dehydrogenase family member 8; plus strand). Cytogenetic location: 11q25.
Variant type: single nucleotide variant.
Coding change: c.849C>G on transcript NM_014384.3 (MANE Select); coding-DNA position 849, C replaced by G.
Protein change: p.Cys283Trp; replaces cysteine 283 with tryptophan.
Molecular consequence: missense variant.
Genome position (GRCh38, 1-based): chr11:134,261,282, C>G. VCF-style: chr11-134261282-C-G. GRCh37 (hg19) VCF-style: chr11-134131176-C-G.
Other names: short protein forms C283W.
Identifiers: ClinVar variation 861771 (VCV000861771.10), dbSNP rs1939865617, ClinGen allele CA383516955.

ClinVar aggregate classification (germline): Uncertain significance (1 of 4 stars; one submission).

Conditions:
Deficiency of isobutyryl-CoA dehydrogenase. Also called: ACAD8 DEFICIENCY; IBD DEFICIENCY; ACYL-CoA DEHYDROGENASE FAMILY, MEMBER 8, DEFICIENCY OF. Identifiers: Orphanet 79159, MedGen C1969809, MONDO:0012648, OMIM 611283.

Submission:

Labcorp Genetics (formerly Invitae), Labcorp
Classification: Uncertain significance for Deficiency of isobutyryl-CoA dehydrogenase. Last evaluated: 2023-06-03. Review status: criteria provided, single submitter. Criteria: Invitae Variant Classification Sherloc (09022015). Collection method: clinical testing. Allele origin: germline.
Comment: This sequence change replaces cysteine, which is neutral and slightly polar, with tryptophan, which is neutral and slightly polar, at codon 283 of the ACAD8 protein (p.Cys283Trp). In summary, the available evidence is currently insufficient to determine the role of this variant in disease. Therefore, it has been classified as a Variant of Uncertain Significance. Advanced modeling of protein sequence and biophysical properties (such as structural, functional, and spatial information, amino acid conservation, physicochemical variation, residue mobility, and thermodynamic stability) performed at Invitae indicates that this missense variant is expected to disrupt ACAD8 protein function. ClinVar contains an entry for this variant (Variation ID: 861771). This variant has not been reported in the literature in individuals affected with ACAD8-related conditions. This variant is not present in population databases (gnomAD no frequency).